The following is an entry in ClinVar:

NM_001363711.2(DUOX2):c.3081G>T (p.Lys1027Asn)

Gene: DUOX2 (dual oxidase 2; minus strand). Cytogenetic location: 15q21.1.
Variant type: single nucleotide variant.
Coding change: c.3081G>T on transcript NM_001363711.2 (MANE Select); coding-DNA position 3081, G replaced by T.
Protein change: p.Lys1027Asn; replaces lysine 1027 with asparagine.
Molecular consequence: missense variant.
Genome position (GRCh38, 1-based): chr15:45,100,153, C>A on the plus strand (G>T on the coding strand, the complement: DUOX2 is on the minus strand). VCF-style: chr15-45100153-C-A. GRCh37 (hg19) VCF-style: chr15-45392351-C-A.
Other names: c.3081G>T, p.Lys1027Asn (NM_014080.5); short protein forms K1027N.
Identifiers: ClinVar variation 1466340 (VCV001466340.5), dbSNP rs78876145, ClinGen allele CA7538019.

ClinVar aggregate classification (germline): Uncertain significance (1 of 4 stars; one submission).

gnomAD v4.1: 23 of 1,614,210 alleles (0.0014%); highest among the groups gnomAD compares: Admixed American, 0.017%; no homozygotes.

Submission:

Labcorp Genetics (formerly Invitae), Labcorp
Classification: Uncertain significance. Last evaluated: 2025-04-30. Review status: criteria provided, single submitter. Criteria: Invitae Variant Classification Sherloc (09022015). Collection method: clinical testing. Allele origin: germline.
Comment: This sequence change replaces lysine, which is basic and polar, with asparagine, which is neutral and polar, at codon 1027 of the DUOX2 protein (p.Lys1027Asn). This variant is present in population databases (rs78876145, gnomAD 0.02%). This variant has not been reported in the literature in individuals affected with DUOX2-related conditions. ClinVar contains an entry for this variant (Variation ID: 1466340). Invitae Evidence Modeling of protein sequence and biophysical properties (such as structural, functional, and spatial information, amino acid conservation, physicochemical variation, residue mobility, and thermodynamic stability) indicates that this missense variant is not expected to disrupt DUOX2 protein function with a negative predictive value of 80%. In summary, the available evidence is currently insufficient to determine the role of this variant in disease. Therefore, it has been classified as a Variant of Uncertain Significance.